The following is an entry in ClinVar:

NM_005751.5(AKAP9):c.11686+51G>A

Gene: AKAP9 (A-kinase anchoring protein 9; plus strand). Cytogenetic location: 7q21.2.
Variant type: single nucleotide variant.
Coding change: c.11686+51G>A on transcript NM_005751.5 (MANE Select); 51 bases into the intron after coding-DNA position 11686, G replaced by A.
Molecular consequence: intron variant.
Genome position (GRCh38, 1-based): chr7:92,108,684, G>A. VCF-style: chr7-92108684-G-A. GRCh37 (hg19) VCF-style: chr7-91737998-G-A.
Other names: c.11662+51G>A (NM_147185.3); c.6331+51G>A (NM_001379277.1).
Identifiers: ClinVar variation 4534207 (VCV004534207.6).
Genomic context (GRCh38, chr7:92,108,684, plus strand): 5'-ATACAGTCAGGTGCTCTGAGTTTAACCACATCTTGGCAGCACCACAGTGCGAGACCCACA[G>A]CTCCCCTTTCTTTGAAATTCTTTCACACTCATTAGGATAATCAAAGCTTCCAGTTTAGTG-3'

ClinVar aggregate classification (germline): Likely benign (1 of 4 stars; one submission).

gnomAD v4.1: 276 of 1,608,790 alleles (0.017%); highest among the groups gnomAD compares: African/African-American, 0.34%; 1 homozygote.

Submission:

CeGaT Center for Human Genetics Tuebingen
Classification: Likely benign. Last evaluated: 2025-11-01. Review status: criteria provided, single submitter. Criteria: CeGaT Center For Human Genetics Tuebingen Variant Classification Criteria Version 2. Collection method: clinical testing. Allele origin: germline. Affected: yes. Observed: 1 variant allele.
Comment: AKAP9: BP4, BS1